The following is an entry in ClinVar:

NM_032043.3(BRIP1):c.834C>T (p.Ser278=)

Gene: BRIP1 (BRCA1 interacting DNA helicase 1; minus strand). Cytogenetic location: 17q23.2.
Variant type: single nucleotide variant.
Coding change: c.834C>T on transcript NM_032043.3 (MANE Select); coding-DNA position 834, C replaced by T.
Protein change: p.Ser278=; no amino-acid change (serine 278 retained).
Molecular consequence: synonymous variant.
Genome position (GRCh38, 1-based): chr17:61,808,551, G>A on the plus strand (C>T on the coding strand, the complement: BRIP1 is on the minus strand). VCF-style: chr17-61808551-G-A. GRCh37 (hg19) VCF-style: chr17-59885912-G-A.
Identifiers: ClinVar variation 407788 (VCV000407788.15), dbSNP rs1060501725, ClinGen allele CA16615531.
Genomic context (GRCh38, chr17:61,808,551, plus strand): 5'-GCACTTCTCATTTCTGTTGAAGTTACCGACTACCTCAGGATGGACACAAGTATGATCCCT[G>A]CTGGAAAGAATAGTCATTGGAACCCCTGAATATGCCGTCCTCCGGAGCTCTCTAGTAATC-3'
Protein context (NP_114432.2, residues 268-288): YSGVPMTILS[Ser278=]RDHTCVHPEV

ClinVar aggregate classification (germline): Benign/Likely benign. Review status: criteria provided, multiple submitters, no conflicts (2 of 4 stars). 4 submissions from 4 submitters: Benign (1); Likely benign (3). Last evaluated 2025-12-15.

Conditions:
Hereditary cancer-predisposing syndrome. Also called: Hereditary neoplastic syndrome; Neoplastic Syndromes, Hereditary; Tumor predisposition; Hereditary Cancer Syndrome. Identifiers: Orphanet 140162, MedGen C0027672, MeSH D009386, MONDO:0015356.
Familial cancer of breast. Also called: Hereditary breast cancer; hereditary breast carcinoma; BREAST CANCER, FAMILIAL. Identifiers: Orphanet 227535, MedGen C0346153, MONDO:0016419, OMIM 114480. Disease mechanism: loss of function.
Fanconi anemia complementation group J. Also called: BRIP1-Related Fanconi Anemia. Identifiers: Orphanet 84, MedGen C1836860, MONDO:0012187, OMIM 609054.

Allele frequency attached by ClinVar (database versions not stated): gnomAD exomes below 0.00001 and 0.00001.
gnomAD v4.1: 4 of 1,613,262 alleles (0.00025%); highest among the groups gnomAD compares: Non-Finnish European, 0.00034%; no homozygotes.

Submissions (4):

Color Diagnostics, LLC DBA Color Health
Classification: Likely benign for Hereditary cancer-predisposing syndrome. Last evaluated: 2025-12-15. Review status: criteria provided, single submitter. Criteria: ACMG Guidelines, 2015. Collection method: clinical testing. Allele origin: germline.

Labcorp Genetics (formerly Invitae), Labcorp
Classification: Likely benign for Familial cancer of breast; Fanconi anemia complementation group J. Last evaluated: 2025-11-05. Review status: criteria provided, single submitter. Criteria: Invitae Variant Classification Sherloc (09022015). Collection method: clinical testing. Allele origin: germline.

Myriad Genetics, Inc.
Classification: Benign for Familial cancer of breast. Last evaluated: 2024-08-22. Review status: criteria provided, single submitter. Criteria: Myriad Autosomal Dominant, Autosomal Recessive and X-Linked Classification Criteria (2023). Collection method: clinical testing. Allele origin: unknown.
Comment: This variant is considered benign. This variant is a silent/synonymous amino acid change and it is not expected to impact splicing.

Ambry Genetics
Classification: Likely benign for Hereditary cancer-predisposing syndrome. Last evaluated: 2021-12-08. Review status: criteria provided, single submitter. Criteria: Ambry Variant Classification Scheme 2023. Collection method: clinical testing. Allele origin: germline.